The following is an entry in ClinVar:

ClinVar aggregate classification (germline): Pathogenic/Likely pathogenic. Review status: criteria provided, multiple submitters, no conflicts (2 of 4 stars). 5 submissions from 5 submitters: Pathogenic (2); Likely pathogenic (3). Last evaluated 2024-02-15.

Conditions:
Inborn genetic diseases. Identifiers: MedGen C0950123, MeSH D030342.
Developmental disorder. Identifiers: MedGen C0008073.
Okur-Chung neurodevelopmental syndrome (OCNDS). Identifiers: Orphanet 689422, MedGen C4310739, MONDO:0014893, OMIM 617062.

Allele frequency attached by ClinVar (database versions not stated): gnomAD exomes below 0.00001.
gnomAD v4.1: 1 of 1,614,174 alleles (0.000062%); highest among the groups gnomAD compares: Non-Finnish European, 0.000085%; no homozygotes.

Submissions (5):

GeneDx
Classification: Pathogenic. Last evaluated: 2024-02-15. Review status: criteria provided, single submitter. Criteria: GeneDx Variant Classification Process June 2021. Collection method: clinical testing. Allele origin: germline. Affected: yes.
Comment: Not observed at significant frequency in large population cohorts (gnomAD); In silico analysis supports that this missense variant has a deleterious effect on protein structure/function; This variant is associated with the following publications: (PMID: 29383814, 28135719, 24395637, 11574463, 33944995, 31785789, 27048600, 29240241)

Illumina Laboratory Services, Illumina
Classification: Likely pathogenic for Okur-Chung neurodevelopmental syndrome. Last evaluated: 2023-02-08. Review status: criteria provided, single submitter. Criteria: ICSLVariantClassificationCriteria RUGD 01 April 2020. Collection method: clinical testing. Allele origin: unknown.
Comment: The CSNK2A1 c.934C>T (p.Arg312Trp) missense variant results in the substitution of arginine at amino acid position 312 with tryptophan. This variant has been reported in a heterozygous state with de novo occurrence in an individual with Okur-Chung neurodevelopmental syndrome in the literature (PMID: 29383814). Another variant at the same amino acid position, c.935G>A p.(Arg312Gln), has also been reported in a heterozygous state with de novo occurrence in an affected individual (PMID: 29240241). This variant is not found in version 2.1.1 or version 3.1.2 of the Genome Aggregation Database. Functional assessment of the c.934C>T variant performed in mammalian cells shows reduced kinase activity and reduced protein expression compared to wildtype (PMID: 33944995). Based on the available evidence, the c.934C>T (p.Arg312Trp) variant is classified as likely pathogenic for Okur-Chung neurodevelopmental syndrome.

Department of Genetics, Rouen University Hospital, Normandy Center for Genomic and Personalized Medicine
Classification: Pathogenic for Developmental disorder. Last evaluated: 2022-05-23. Review status: criteria provided, single submitter. Criteria: ACMG Guidelines, 2015. Collection method: clinical testing. Allele origin: de novo. Affected: yes.

Ambry Genetics
Classification: Likely pathogenic for Inborn genetic diseases. Last evaluated: 2019-01-14. Review status: criteria provided, single submitter. Criteria: Ambry exome assertion method (8-5-2015). Collection method: clinical testing. Allele origin: germline. Affected: yes. Observed: 1 variant allele.

Neuberg Centre For Genomic Medicine, NCGM
Classification: Likely pathogenic for Okur-Chung neurodevelopmental syndrome. Review status: criteria provided, single submitter. Criteria: ACMG Guidelines, 2015. Collection method: clinical testing. Allele origin: germline. Inheritance: Autosomal dominant inheritance. Affected: yes.
Comment: The observed missense c.934C>T (p.Arg312Trp) variant in CSNK2A1 gene has been reported in multiple individuals affected CSNK2A1-related disorders (Owen et al., 2018; Deciphering Developmental Disorders Study, 2017; Chiu et al., 2018). The p.Arg312Trp variant is absent in the gnomAD Exomes. This variant has been submitted to the ClinVar database as Pathogenic (multiple submissions) / Likely Pathogenic. The amino acid change p.Arg312Trp in CSNK2A1 is predicted as conserved by GERP++ and PhyloP across 100 vertebrates.The amino acid Arg at position 312 is changed to a Trp changing protein sequence and it might alter its composition and physico-chemical properties. Additional functional studies will be required to prove the pathogenicity of this variant. For these reasons, this variant has been classified as Likely Pathogenic.

Literature cited by the submitters: PubMed 33944995 (cited by Illumina Laboratory Services, Illumina); PubMed 29240241 (cited by Illumina Laboratory Services, Illumina); PubMed 29383814 (cited by Illumina Laboratory Services, Illumina and Ambry Genetics); PubMed 28135719 (cited by Ambry Genetics); PubMed 11574463 (cited by Ambry Genetics); PubMed 27048600 (cited by Ambry Genetics); PubMed 24395637 (cited by Ambry Genetics).

NM_177559.3(CSNK2A1):c.934C>T (p.Arg312Trp)

Gene: CSNK2A1 (casein kinase 2 alpha 1; minus strand). Cytogenetic location: 20p13.
Variant type: single nucleotide variant.
Coding change: c.934C>T on transcript NM_177559.3 (MANE Select); coding-DNA position 934, C replaced by T.
Protein change: p.Arg312Trp; replaces arginine 312 with tryptophan.
Molecular consequence: missense variant.
Genome position (GRCh38, 1-based): chr20:487,466, G>A on the plus strand (C>T on the coding strand, the complement: CSNK2A1 is on the minus strand). VCF-style: chr20-487466-G-A. GRCh37 (hg19) VCF-style: chr20-468110-G-A.
Other names: c.526C>T (NM_177560.2); c.934C>T, p.Arg312Trp (NM_001362770.2, NM_001362771.2, NM_001895.4); c.526C>T, p.Arg176Trp (NM_177560.3); short protein forms R176W, R312W.
Identifiers: ClinVar variation 984881 (VCV000984881.10), dbSNP rs2018124491, ClinGen allele CA407924186.
Genomic context (GRCh38, chr20:487,466, plus strand): 5'-GGGCTAGATATCTGGACTCACAGAAATAGGGGTGCTCCATTGCCTCTCTTGCAGTAAGCC[G>A]TGACTGGTGGTCATATCGCAGCAGTTTGTCCAGGAAATCCAAGGCCTCAGGGCTGACAAG-3'
Protein context (NP_808227.1, residues 302-322): DKLLRYDHQS[Arg312Trp]LTAREAMEHP